The following is an entry in ClinVar:

NM_004393.6(DAG1):c.716C>T (p.Ser239Leu)

Gene: DAG1 (dystroglycan 1; plus strand). Cytogenetic location: 3p21.31.
Variant type: single nucleotide variant.
Coding change: c.716C>T on transcript NM_004393.6 (MANE Select); coding-DNA position 716, C replaced by T.
Protein change: p.Ser239Leu; replaces serine 239 with leucine.
Molecular consequence: missense variant.
Genome position (GRCh38, 1-based): chr3:49,531,227, C>T. VCF-style: chr3-49531227-C-T. GRCh37 (hg19) VCF-style: chr3-49568660-C-T.
Other names: c.716C>T, p.Ser239Leu (NM_001165928.4, NM_001177634.3, NM_001177635.3 and 9 more transcripts); short protein forms S239L.
Identifiers: ClinVar variation 2180573 (VCV002180573.1), dbSNP rs758620141, ClinGen allele CA2398948.

ClinVar aggregate classification (germline): Uncertain significance (1 of 4 stars; one submission).

Conditions:
Autosomal recessive limb-girdle muscular dystrophy type 2P. Also called: MUSCULAR DYSTROPHY-DYSTROGLYCANOPATHY, LIMB-GIRDLE, DAG1-RELATED; Limb-Girdle Muscular Dystrophy Type 9C; MUSCULAR DYSTROPHY, LIMB-GIRDLE, TYPE 2P. Identifiers: Orphanet 280333, MedGen C4511963, MONDO:0013440, OMIM 613818.
Muscular dystrophy-dystroglycanopathy (congenital with brain and eye anomalies), type A9. Also called: WALKER-WARBURG SYNDROME OR MUSCLE-EYE BRAIN DISEASE, DAG1-RELATED; Muscular dystrophy-dystroglycanopathy (congenital with brain and eye anomalies), type a, 9. Identifiers: Orphanet 370997, Orphanet 899, MedGen C4225291, MONDO:0014683, OMIM 616538.

Allele frequency attached by ClinVar (database versions not stated): gnomAD exomes 0.00001; ExAC 0.00002; gnomAD 0.00002; TOPMed 0.00002.
gnomAD v4.1: 23 of 1,614,014 alleles (0.0014%); highest among the groups gnomAD compares: Admixed American, 0.01%; no homozygotes.

Submission:

Labcorp Genetics (formerly Invitae), Labcorp
Classification: Uncertain significance for Autosomal recessive limb-girdle muscular dystrophy type 2P; Muscular dystrophy-dystroglycanopathy (congenital with brain and eye anomalies), type A9. Last evaluated: 2022-03-26. Review status: criteria provided, single submitter. Criteria: Invitae Variant Classification Sherloc (09022015). Collection method: clinical testing. Allele origin: germline.
Comment: This sequence change replaces serine, which is neutral and polar, with leucine, which is neutral and non-polar, at codon 239 of the DAG1 protein (p.Ser239Leu). This variant is present in population databases (rs758620141, gnomAD 0.01%). This variant has not been reported in the literature in individuals affected with DAG1-related conditions. Algorithms developed to predict the effect of missense changes on protein structure and function are either unavailable or do not agree on the potential impact of this missense change (SIFT: "Deleterious"; PolyPhen-2: "Probably Damaging"; Align-GVGD: "Class C0"). In summary, the available evidence is currently insufficient to determine the role of this variant in disease. Therefore, it has been classified as a Variant of Uncertain Significance.